The following is an entry in ClinVar:

NM_006009.4(TUBA1A):c.1084G>A (p.Val362Met)

Gene: TUBA1A (tubulin alpha 1a; minus strand). Cytogenetic location: 12q13.12.
Variant type: single nucleotide variant.
Coding change: c.1084G>A on transcript NM_006009.4 (MANE Select); coding-DNA position 1084, G replaced by A.
Protein change: p.Val362Met; replaces valine 362 with methionine.
Molecular consequence: missense variant.
Genome position (GRCh38, 1-based): chr12:49,185,282, C>T on the plus strand (G>A on the coding strand, the complement: TUBA1A is on the minus strand). VCF-style: chr12-49185282-C-T. GRCh37 (hg19) VCF-style: chr12-49579065-C-T.
Other names: c.1084G>A, p.Val362Met (NM_001270399.2); c.979G>A, p.Val327Met (NM_001270400.2); short protein forms V327M, V362M.
Identifiers: ClinVar variation 4074631 (VCV004074631.2).

ClinVar aggregate classification (germline): Conflicting classifications of pathogenicity. Review status: criteria provided, conflicting classifications (1 of 4 stars). 2 submissions from 2 submitters: Pathogenic (1); Uncertain significance (1). Last evaluated 2025-02-07.

Submissions (2):

GeneDx
Classification: Pathogenic. Last evaluated: 2025-02-07. Review status: criteria provided, single submitter. Criteria: GeneDx Variant Classification Process June 2021. Collection method: clinical testing. Allele origin: germline. Affected: yes.
Comment: Not observed at significant frequency in large population cohorts (gnomAD); Missense variants in this gene are a common cause of disease and they are underrepresented in the general population; In silico analysis indicates that this missense variant does not alter protein structure/function; Has not been previously published as pathogenic or benign to our knowledge

Labcorp Genetics (formerly Invitae), Labcorp
Classification: Uncertain significance. Last evaluated: 2025-02-02. Review status: criteria provided, single submitter. Criteria: Invitae Variant Classification Sherloc (09022015). Collection method: clinical testing. Allele origin: germline.
Comment: This sequence change replaces valine, which is neutral and non-polar, with methionine, which is neutral and non-polar, at codon 362 of the TUBA1A protein (p.Val362Met). This variant is not present in population databases (gnomAD no frequency). This variant has not been reported in the literature in individuals affected with TUBA1A-related conditions. Invitae Evidence Modeling of protein sequence and biophysical properties (such as structural, functional, and spatial information, amino acid conservation, physicochemical variation, residue mobility, and thermodynamic stability) indicates that this missense variant is not expected to disrupt TUBA1A protein function with a negative predictive value of 80%. In summary, the available evidence is currently insufficient to determine the role of this variant in disease. Therefore, it has been classified as a Variant of Uncertain Significance.